The following is an entry in ClinVar:

ClinVar aggregate classification (germline): Uncertain significance (1 of 4 stars; one submission).

Submission:

GeneDx
Classification: Uncertain significance. Last evaluated: 2025-11-24. Review status: criteria provided, single submitter. Criteria: GeneDx Variant Classification Process June 2021. Collection method: clinical testing. Allele origin: germline.
Comment: Not observed at significant frequency in large population cohorts (gnomAD); In silico analysis supports that this missense variant has a deleterious effect on protein structure/function; Has not been previously published as pathogenic or benign in association with neurodevelopmental disorders; This variant is associated with the following publications: (PMID: 30768627)

NM_022893.4(BCL11A):c.1351G>A (p.Gly451Ser)

Gene: BCL11A (BCL11 transcription factor A; minus strand). Cytogenetic location: 2p16.1.
Variant type: single nucleotide variant.
Coding change: c.1351G>A on transcript NM_022893.4 (MANE Select); coding-DNA position 1351, G replaced by A.
Protein change: p.Gly451Ser; replaces glycine 451 with serine.
Molecular consequence: missense variant. On other transcripts: intron variant (6).
Genome position (GRCh38, 1-based): chr2:60,461,561, C>T on the plus strand (G>A on the coding strand, the complement: BCL11A is on the minus strand). VCF-style: chr2-60461561-C-T. GRCh37 (hg19) VCF-style: chr2-60688696-C-T.
Other names: c.1249G>A, p.Gly417Ser (NM_001363864.1, NM_001365609.1, NM_001405719.1 and 2 more transcripts); c.1351G>A, p.Gly451Ser (NM_001405708.1, NM_018014.4, NM_001405709.1 and 1 more transcripts); c.1018G>A, p.Gly340Ser (NM_001405720.1, NM_001405721.1); c.1195G>A, p.Gly399Ser (NM_001405722.1, NM_001405723.1, NM_001405713.1 and 3 more transcripts); c.1093G>A, p.Gly365Ser (NM_001405724.1, NM_001405717.1, NM_001405718.1); c.895G>A, p.Gly299Ser (NM_001405725.1, NM_001405726.1, NM_001405727.1 and 1 more transcripts); c.658G>A, p.Gly220Ser (NM_001405729.1); c.814G>A, p.Gly272Ser (NM_001405730.1); and 5 more; short protein forms G120S, G220S, G272S, G299S, G340S, G365S, G399S, G417S.
Identifiers: ClinVar variation 1712838 (VCV001712838.3), dbSNP rs17028351, ClinGen allele CA49017763.